The following is an entry in ClinVar:

ClinVar aggregate classification (germline): Uncertain significance (1 of 4 stars; one submission).

Conditions:
Joubert syndrome 23 (JBTS23). Identifiers: Orphanet 475, MedGen C4084822, MONDO:0014664, OMIM 616490.
Short-rib thoracic dysplasia 14 with polydactyly (SRTD14). Identifiers: Orphanet 397715, MedGen C4225286, MONDO:0014688, OMIM 616546.

Allele frequency attached by ClinVar (database versions not stated): gnomAD 0.00001; gnomAD exomes 0.00001.

Submission:

Labcorp Genetics (formerly Invitae), Labcorp
Classification: Uncertain significance for Joubert syndrome 23; Short-rib thoracic dysplasia 14 with polydactyly. Last evaluated: 2021-05-20. Review status: criteria provided, single submitter. Criteria: Invitae Variant Classification Sherloc (09022015). Collection method: clinical testing. Allele origin: germline.
Comment: This variant is not present in population databases (ExAC no frequency). This variant has not been reported in the literature in individuals with KIAA0586-related conditions. Algorithms developed to predict the effect of missense changes on protein structure and function are either unavailable or do not agree on the potential impact of this missense change (SIFT: "Deleterious"; PolyPhen-2: "Probably Damaging"; Align-GVGD: "Class C0"). In summary, the available evidence is currently insufficient to determine the role of this variant in disease. Therefore, it has been classified as a Variant of Uncertain Significance. This sequence change replaces methionine with threonine at codon 1339 of the KIAA0586 protein (p.Met1339Thr). The methionine residue is highly conserved and there is a moderate physicochemical difference between methionine and threonine.

NM_001329943.3(KIAA0586):c.3857T>C (p.Met1286Thr)

Gene: KIAA0586 (KIAA0586; plus strand). Cytogenetic location: 14q23.1.
Variant type: single nucleotide variant.
Coding change: c.3857T>C on transcript NM_001329943.3 (MANE Select); coding-DNA position 3857, T replaced by C.
Protein change: p.Met1286Thr; replaces methionine 1286 with threonine.
Molecular consequence: missense variant.
Genome position (GRCh38, 1-based): chr14:58,490,239, T>C. VCF-style: chr14-58490239-T-C. GRCh37 (hg19) VCF-style: chr14-58956957-T-C.
Other names: c.4016T>C, p.Met1339Thr (NM_001244189.2); c.3812T>C, p.Met1271Thr (NM_001244190.2); c.3602T>C, p.Met1201Thr (NM_001244191.2, NM_001329945.2, NM_001364700.1 and 1 more transcripts); c.3725T>C, p.Met1242Thr (NM_001244192.2); c.3437T>C, p.Met1146Thr (NM_001244193.2); c.3857T>C, p.Met1286Thr (NM_001329944.2, NM_001329946.2, NM_001329947.2); c.3629T>C, p.Met1210Thr (NM_014749.5); short protein forms M1201T, M1242T, M1210T, M1146T, M1271T, M1286T, M1339T.
Identifiers: ClinVar variation 1355588 (VCV001355588.8), dbSNP rs1256644781, ClinGen allele CA389883563.